The following is an entry in ClinVar:

ClinVar aggregate classification (germline): Uncertain significance. Review status: criteria provided, multiple submitters, no conflicts (2 of 4 stars). 3 submissions from 3 submitters: Uncertain significance (3). Last evaluated 2026-09-01.

Conditions:
Osteogenesis imperfecta type I (OI1). Also called: Classic Non-deforming Osteogenesis Imperfecta with Blue Sclerae; OI, TYPE I; OSTEOGENESIS IMPERFECTA TARDA; OSTEOGENESIS IMPERFECTA WITH BLUE SCLERAE; Osteogenesis imperfecta type 1; Lobstein's Disease. Identifiers: Orphanet 216796, Orphanet 666, MedGen C0023931, MONDO:0008146, OMIM 166200. Disease mechanism: loss of function.
Ehlers-Danlos syndrome, classic type, 1 (EDSCL1). Also called: Ehlers-Danlos syndrome, type 1; Ehlers-Danlos Syndrome, Classic Type, COL5A1-Related; EHLERS-DANLOS SYNDROME, GRAVIS TYPE; EHLERS-DANLOS SYNDROME, SEVERE CLASSIC TYPE; EDS I. Identifiers: MedGen C0268335, MONDO:0019567, OMIM 130000.

Submissions (3):

CeGaT Center for Human Genetics Tuebingen
Classification: Uncertain significance. Last evaluated: 2026-09-01. Review status: criteria provided, single submitter. Criteria: CeGaT Center For Human Genetics Tuebingen Variant Classification Criteria Version 2. Collection method: clinical testing. Allele origin: germline. Affected: yes. Observed: 2 variant alleles.
Comment: COL1A2: PM2

Women's Health and Genetics/Laboratory Corporation of America, LabCorp
Classification: Uncertain significance. Last evaluated: 2026-02-03. Review status: criteria provided, single submitter. Criteria: LabCorp Variant Classification Summary - May 2015. Collection method: clinical testing. Allele origin: germline.
Comment: Variant summary: COL1A2 c.2321C>T (p.Ala774Val) results in a non-conservative amino acid change in the encoded protein sequence. Algorithms developed to predict the effect of missense changes on protein structure and function are either unavailable or do not agree on the potential impact of this missense change. The variant was absent in 251448 control chromosomes. The available data on variant occurrences in the general population are insufficient to allow any conclusion about variant significance. To our knowledge, no occurrence of c.2321C>T in individuals affected with COL1A2-related conditions and no experimental evidence demonstrating its impact on protein function have been reported. ClinVar contains an entry for this variant (Variation ID: 810134). Based on the evidence outlined above, the variant was classified as uncertain significance.

Labcorp Genetics (formerly Invitae), Labcorp
Classification: Uncertain significance for Osteogenesis imperfecta type I; Ehlers-Danlos syndrome, classic type, 1. Last evaluated: 2025-04-24. Review status: criteria provided, single submitter. Criteria: Invitae Variant Classification Sherloc (09022015). Collection method: clinical testing. Allele origin: germline.
Comment: This sequence change replaces alanine, which is neutral and non-polar, with valine, which is neutral and non-polar, at codon 774 of the COL1A2 protein (p.Ala774Val). This variant is not present in population databases (gnomAD no frequency). This variant has not been reported in the literature in individuals affected with COL1A2-related conditions. ClinVar contains an entry for this variant (Variation ID: 810134). Invitae Evidence Modeling of protein sequence and biophysical properties (such as structural, functional, and spatial information, amino acid conservation, physicochemical variation, residue mobility, and thermodynamic stability) indicates that this missense variant is not expected to disrupt COL1A2 protein function with a negative predictive value of 95%. In summary, the available evidence is currently insufficient to determine the role of this variant in disease. Therefore, it has been classified as a Variant of Uncertain Significance.

NM_000089.4(COL1A2):c.2321C>T (p.Ala774Val)

Gene: COL1A2 (collagen type I alpha 2 chain; plus strand). Cytogenetic location: 7q21.3.
Variant type: single nucleotide variant.
Coding change: c.2321C>T on transcript NM_000089.4 (MANE Select); coding-DNA position 2321, C replaced by T.
Protein change: p.Ala774Val; replaces alanine 774 with valine.
Molecular consequence: missense variant.
Genome position (GRCh38, 1-based): chr7:94,421,034, C>T. VCF-style: chr7-94421034-C-T. GRCh37 (hg19) VCF-style: chr7-94050346-C-T.
Other names: short protein forms A774V.
Identifiers: ClinVar variation 810134 (VCV000810134.45), dbSNP rs1584326663, ClinGen allele CA368223698.